The following is an entry in ClinVar:

NM_001167.4(XIAP):c.1020C>G (p.Asn340Lys)

Gene: XIAP (X-linked inhibitor of apoptosis; plus strand). Cytogenetic location: Xq25.
Variant type: single nucleotide variant.
Coding change: c.1020C>G on transcript NM_001167.4 (MANE Select); coding-DNA position 1020, C replaced by G.
Protein change: p.Asn340Lys; replaces asparagine 340 with lysine.
Molecular consequence: missense variant. On other transcripts: non-coding transcript variant (2).
Genome position (GRCh38, 1-based): chrX:123,891,280, C>G. VCF-style: chrX-123891280-C-G. GRCh37 (hg19) VCF-style: chrX-123025130-C-G.
Other names: c.1020C>G, p.Asn340Lys (NM_001204401.2, NM_001378590.1, NM_001378591.1 and 1 more transcripts); short protein forms N340K.
Identifiers: ClinVar variation 969067 (VCV000969067.10), dbSNP rs2053404854, ClinGen allele CA414125505.

ClinVar aggregate classification (germline): Uncertain significance (1 of 4 stars; one submission).

Conditions:
X-linked lymphoproliferative disease due to XIAP deficiency. Also called: XIAP DEFICIENCY; XIAP-Related Lymphoproliferative Disease, X-Linked. Identifiers: Orphanet 2442, Orphanet 538934, MedGen C1845076, MONDO:0010385, OMIM 300635.

Submission:

Labcorp Genetics (formerly Invitae), Labcorp
Classification: Uncertain significance for X-linked lymphoproliferative disease due to XIAP deficiency. Last evaluated: 2022-02-03. Review status: criteria provided, single submitter. Criteria: Invitae Variant Classification Sherloc (09022015). Collection method: clinical testing. Allele origin: germline.
Comment: In summary, the available evidence is currently insufficient to determine the role of this variant in disease. Therefore, it has been classified as a Variant of Uncertain Significance. Algorithms developed to predict the effect of missense changes on protein structure and function are either unavailable or do not agree on the potential impact of this missense change (SIFT: "Not Available"; PolyPhen-2: "Possibly Damaging"; Align-GVGD: "Not Available"). ClinVar contains an entry for this variant (Variation ID: 969067). This variant has not been reported in the literature in individuals affected with XIAP-related conditions. This variant is not present in population databases (gnomAD no frequency). This sequence change replaces asparagine, which is neutral and polar, with lysine, which is basic and polar, at codon 340 of the XIAP protein (p.Asn340Lys).